The following is an entry in ClinVar:

ClinVar aggregate classification (germline): Uncertain significance. Review status: criteria provided, multiple submitters, no conflicts (2 of 4 stars). 2 submissions from 2 submitters: Uncertain significance (2). Last evaluated 2022-08-31.

Allele frequency attached by ClinVar (database versions not stated): gnomAD exomes below 0.00001 and 0.00001; gnomAD 0.00001 and 0.00002; TOPMed 0.00003.

Submissions (2):

Labcorp Genetics (formerly Invitae), Labcorp
Classification: Uncertain significance. Last evaluated: 2022-08-31. Review status: criteria provided, single submitter. Criteria: Invitae Variant Classification Sherloc (09022015). Collection method: clinical testing. Allele origin: germline.
Comment: ClinVar contains an entry for this variant (Variation ID: 1387956). This sequence change replaces aspartic acid, which is acidic and polar, with glycine, which is neutral and non-polar, at codon 148 of the OAS1 protein (p.Asp148Gly). This variant is present in population databases (no rsID available, gnomAD 0.003%). This variant has not been reported in the literature in individuals affected with OAS1-related conditions. Algorithms developed to predict the effect of missense changes on protein structure and function are either unavailable or do not agree on the potential impact of this missense change (SIFT: "Not Available"; PolyPhen-2: "Probably Damaging"; Align-GVGD: "Not Available"). In summary, the available evidence is currently insufficient to determine the role of this variant in disease. Therefore, it has been classified as a Variant of Uncertain Significance.

Ambry Genetics
Classification: Uncertain significance. Last evaluated: 2021-08-02. Review status: criteria provided, single submitter. Criteria: Ambry Variant Classification Scheme 2023. Collection method: clinical testing. Allele origin: germline.

NM_016816.4(OAS1):c.443A>G (p.Asp148Gly)

Gene: OAS1 (2'-5'-oligoadenylate synthetase 1; plus strand). Cytogenetic location: 12q24.13.
Variant type: single nucleotide variant.
Coding change: c.443A>G on transcript NM_016816.4 (MANE Select); coding-DNA position 443, A replaced by G.
Protein change: p.Asp148Gly; replaces aspartic acid 148 with glycine.
Molecular consequence: missense variant.
Genome position (GRCh38, 1-based): chr12:112,908,798, A>G. VCF-style: chr12-112908798-A-G. GRCh37 (hg19) VCF-style: chr12-113346603-A-G.
Other names: c.443A>G, p.Asp148Gly (NM_001032409.3, NM_001320151.2, NM_002534.4); c.443A>G (NM_016816.2); short protein forms D148G.
Identifiers: ClinVar variation 1387956 (VCV001387956.7), dbSNP rs983425355, ClinGen allele CA243746965.